The following is an entry in ClinVar:

NM_000059.4(BRCA2):c.1518C>G (p.Phe506Leu)

Gene: BRCA2 (BRCA2 DNA repair associated; plus strand). Cytogenetic location: 13q13.1.
Variant type: single nucleotide variant.
Coding change: c.1518C>G on transcript NM_000059.4 (MANE Select); coding-DNA position 1518, C replaced by G.
Protein change: p.Phe506Leu; replaces phenylalanine 506 with leucine.
Molecular consequence: missense variant.
Genome position (GRCh38, 1-based): chr13:32,332,996, C>G. VCF-style: chr13-32332996-C-G. GRCh37 (hg19) VCF-style: chr13-32907133-C-G.
Other names: short protein forms F506L.
Identifiers: ClinVar variation 1046152 (VCV001046152.12), dbSNP rs1438502006, ClinGen allele CA387764548.
Genomic context (GRCh38, chr13:32,332,996, plus strand): 5'-GGCAATATCTGGAACTTCTCCAGTGGCTTCTTCATTTCAGGGTATCAAAAAGTCTATATT[C>G]AGAATAAGAGAATCACCTAAAGAGACTTTCAATGCAAGTTTTTCAGGTCATATGACTGAT-3'
Protein context (NP_000050.3, residues 496-516): SSFQGIKKSI[Phe506Leu]RIRESPKETF

ClinVar aggregate classification (germline): Conflicting classifications of pathogenicity. Review status: criteria provided, conflicting classifications (1 of 4 stars). 3 submissions from 3 submitters: Uncertain significance (2); Likely benign (1). Last evaluated 2025-09-24.

Conditions:
Hereditary cancer-predisposing syndrome. Also called: Hereditary Cancer Syndrome; Tumor predisposition; Hereditary neoplastic syndrome; Neoplastic Syndromes, Hereditary. Identifiers: Orphanet 140162, MedGen C0027672, MeSH D009386, MONDO:0015356.
Hereditary breast ovarian cancer syndrome. Also called: Hereditary breast and/or ovarian cancer syndrome; Hereditary breast and ovarian cancer syndrome; Hereditary breast and ovarian cancer syndrome (HBOC); Breast and ovarian cancer; Hereditary breast and ovarian cancer; BRCA1- and BRCA2-Associated Hereditary Breast and Ovarian Cancer. Identifiers: Orphanet 145, MedGen C0677776, MeSH D061325, MONDO:0003582. Disease mechanism: loss of function.

Allele frequency attached by ClinVar (database versions not stated): gnomAD exomes below 0.00001.
gnomAD v4.1: 1 of 1,593,794 alleles (0.000063%); highest among the groups gnomAD compares: Admixed American, 0.0018%; no homozygotes.

Submissions (3):

Labcorp Genetics (formerly Invitae), Labcorp
Classification: Uncertain significance for Hereditary breast ovarian cancer syndrome. Last evaluated: 2025-09-24. Review status: criteria provided, single submitter. Criteria: Invitae Variant Classification Sherloc (09022015). Collection method: clinical testing. Allele origin: germline.
Comment: This sequence change replaces phenylalanine, which is neutral and non-polar, with leucine, which is neutral and non-polar, at codon 506 of the BRCA2 protein (p.Phe506Leu). This variant is present in population databases (no rsID available, gnomAD 0.003%). This variant has not been reported in the literature in individuals affected with BRCA2-related conditions. ClinVar contains an entry for this variant (Variation ID: 1046152). Invitae Evidence Modeling of protein sequence and biophysical properties (such as structural, functional, and spatial information, amino acid conservation, physicochemical variation, residue mobility, and thermodynamic stability) indicates that this missense variant is not expected to disrupt BRCA2 protein function with a negative predictive value of 95%. In summary, the available evidence is currently insufficient to determine the role of this variant in disease. Therefore, it has been classified as a Variant of Uncertain Significance.

University of Washington Department of Laboratory Medicine, University of Washington
Classification: Likely benign for Hereditary cancer-predisposing syndrome. Last evaluated: 2023-03-23. Review status: criteria provided, single submitter. Criteria: Dines et al. (Genet Med. 2020). Collection method: curation. Allele origin: germline.
Comment: Missense variant in a coldspot region where missense variants are very unlikely to be pathogenic (PMID:31911673).

BRCA2 exon 10 coldspot. Reclassification based on statistical prior probability.

Ambry Genetics
Classification: Uncertain significance for Hereditary cancer-predisposing syndrome. Last evaluated: 2020-05-20. Review status: criteria provided, single submitter. Criteria: Ambry Variant Classification Scheme 2023. Collection method: clinical testing. Allele origin: germline.
Comment: The p.F506L variant (also known as c.1518C>G), located in coding exon 9 of the BRCA2 gene, results from a C to G substitution at nucleotide position 1518. The phenylalanine at codon 506 is replaced by leucine, an amino acid with highly similar properties. This amino acid position is not well conserved in available vertebrate species. In addition, this alteration is predicted to be tolerated by in silico analysis. Since supporting evidence is limited at this time, the clinical significance of this alteration remains unclear.